The following is an entry in ClinVar:

NM_003482.4(KMT2D):c.7842G>A (p.Ser2614=)

Gene: KMT2D (lysine methyltransferase 2D; minus strand). Cytogenetic location: 12q13.12.
Variant type: single nucleotide variant.
Coding change: c.7842G>A on transcript NM_003482.4 (MANE Select); coding-DNA position 7842, G replaced by A.
Protein change: p.Ser2614=; no amino-acid change (serine 2614 retained).
Molecular consequence: synonymous variant.
Genome position (GRCh38, 1-based): chr12:49,039,928, C>T on the plus strand (G>A on the coding strand, the complement: KMT2D is on the minus strand). VCF-style: chr12-49039928-C-T. GRCh37 (hg19) VCF-style: chr12-49433711-C-T.
Identifiers: ClinVar variation 3895717 (VCV003895717.2).
Genomic context (GRCh38, chr12:49,039,928, plus strand): 5'-CTGTGAGGCTCCATGGGACAGGTAGGGGAGGGATCCGTCGGGTGCAGGTGGTGGCAGAAC[C>T]GACGGAGGGCGTAGTGGGGACAGCCCATAGCTCTCCCCTGTGGACCCGCTGCTGGGCCCC-3'
Protein context (NP_003473.3, residues 2604-2624): SYGLSPLRPP[Ser2614=]VLPPPAPDGS

ClinVar aggregate classification (germline): Conflicting classifications of pathogenicity. Review status: criteria provided, conflicting classifications (1 of 4 stars). 2 submissions from 2 submitters: Uncertain significance (1); Likely benign (1). Last evaluated 2025-04-14.

Conditions:
Kabuki syndrome. Also called: NIIKAWA-KUROKI SYNDROME; Kabuki make-up syndrome. Identifiers: Orphanet 2322, MedGen C0796004, MONDO:0016512.

gnomAD v4.1: 5 of 1,613,948 alleles (0.00031%); highest among the groups gnomAD compares: East Asian, 0.0022%; no homozygotes.

Submissions (2):

Labcorp Genetics (formerly Invitae), Labcorp
Classification: Uncertain significance for Kabuki syndrome. Last evaluated: 2025-04-14. Review status: criteria provided, single submitter. Criteria: Invitae Variant Classification Sherloc (09022015). Collection method: clinical testing. Allele origin: germline.
Comment: This sequence change affects codon 2614 of the KMT2D mRNA. It is a 'silent' change, meaning that it does not change the encoded amino acid sequence of the KMT2D protein. This variant is not present in population databases (gnomAD no frequency). This variant has not been reported in the literature in individuals affected with KMT2D-related conditions. Algorithms developed to predict the effect of sequence changes on RNA splicing suggest that this variant may create or strengthen a splice site. In summary, the available evidence is currently insufficient to determine the role of this variant in disease. Therefore, it has been classified as a Variant of Uncertain Significance.

Women's Health and Genetics/Laboratory Corporation of America, LabCorp
Classification: Likely benign. Last evaluated: 2025-03-11. Review status: criteria provided, single submitter. Criteria: LabCorp Variant Classification Summary - May 2015. Collection method: clinical testing. Allele origin: germline.